The following is an entry in ClinVar:

ClinVar aggregate classification (germline): Pathogenic (1 of 4 stars; one submission).

Conditions:
Rubinstein-Taybi syndrome (RSTS). Identifiers: Orphanet 783, MedGen C0035934, MONDO:0019188.

Submission:

Labcorp Genetics (formerly Invitae), Labcorp
Classification: Pathogenic for Rubinstein-Taybi syndrome. Last evaluated: 2025-10-03. Review status: criteria provided, single submitter. Criteria: Invitae Variant Classification Sherloc (09022015). Collection method: clinical testing. Allele origin: germline.
Comment: This sequence change creates a premature translational stop signal (p.Ser976Profs*22) in the CREBBP gene. It is expected to result in an absent or disrupted protein product. Loss-of-function variants in CREBBP are known to be pathogenic (PMID: 17052327, 18792986). This variant is not present in population databases (gnomAD no frequency). This variant has not been reported in the literature in individuals affected with CREBBP-related conditions. For these reasons, this variant has been classified as Pathogenic.

Literature cited by the submitters: PubMed 17052327; PubMed 18792986.

NM_004380.3(CREBBP):c.2925del (p.Ser976fs)

Gene: CREBBP (CREB binding lysine acetyltransferase; minus strand). Cytogenetic location: 16p13.3.
Variant type: Deletion.
Coding change: c.2925del on transcript NM_004380.3 (MANE Select); coding-DNA position 2925, one base deleted (C; older notation c.2925delC).
Protein change: p.Ser976fs; shifts the reading frame from serine 976.
Molecular consequence: frameshift variant.
Genome position (GRCh38, 1-based): chr16:3,769,309, G deleted on the plus strand (C on the coding strand, the reverse complement: CREBBP is on the minus strand); the first of 5 consecutive G bases (chr16:3,769,309-3,769,313); deleting any one gives the same sequence. VCF-style (leftmost placement, unchanged base first): chr16-3769308-AG-A. GRCh37 (hg19) VCF-style: chr16-3819309-AG-A.
Other names: c.2811del, p.Ser938fs (NM_001079846.1); short protein forms S976fs, S938fs.
Identifiers: ClinVar variation 4728454 (VCV004728454.1).